The following is an entry in ClinVar:

NM_005732.4(RAD50):c.2983_2986del (p.Glu995fs)

Gene: RAD50 (RAD50 double strand break repair protein; plus strand). Cytogenetic location: 5q31.1.
Variant type: Deletion.
Coding change: c.2983_2986del on transcript NM_005732.4 (MANE Select); coding-DNA positions 2983 to 2986, 4 bases deleted (GAAA; older notation c.2983_2986delGAAA).
Protein change: p.Glu995fs; shifts the reading frame from glutamic acid 995.
Molecular consequence: frameshift variant.
Genome position (GRCh38, 1-based): chr5:132,609,343-132,609,346, GAAA deleted; deleting any 4 consecutive bases within chr5:132,609,340-132,609,346 gives the same sequence; the c. name uses the placement nearest the transcript's 3' end. VCF-style (leftmost placement, unchanged base first): chr5-132609339-CAAAG-C. GRCh37 (hg19) VCF-style: chr5-131945031-CAAAG-C.
Other names: c.2983_2986delGAAA (NM_005732.3, NM_005732.4); short protein forms E995fs.
Identifiers: ClinVar variation 128015 (VCV000128015.20), dbSNP rs587780154, ClinGen allele CA168455.

ClinVar aggregate classification (germline): Pathogenic/Likely pathogenic. Review status: criteria provided, multiple submitters, no conflicts (2 of 4 stars). 8 submissions from 7 submitters: Pathogenic (5); Likely pathogenic (1). 2 of the submissions do not count toward it. Last evaluated 2025-10-14.

Conditions:
Hereditary cancer-predisposing syndrome. Also called: Neoplastic Syndromes, Hereditary; Hereditary Cancer Syndrome; Tumor predisposition; Hereditary neoplastic syndrome. Identifiers: Orphanet 140162, MedGen C0027672, MeSH D009386, MONDO:0015356.
Nijmegen breakage syndrome-like disorder (NBSLD). Also called: MICROCEPHALY AND SPONTANEOUS CHROMOSOME INSTABILITY WITHOUT IMMUNODEFICIENCY; NBS-LIKE DISORDER; RAD50 DEFICIENCY. Identifiers: Orphanet 240760, MedGen C2751318, MONDO:0013118, OMIM 613078.
Neoplasm of the skin. Identifiers: MedGen C0037286, MONDO:0002531, HP:0008069.

Submissions (8):

Labcorp Genetics (formerly Invitae), Labcorp
Classification: Pathogenic for Hereditary cancer-predisposing syndrome. Last evaluated: 2025-10-14. Review status: criteria provided, single submitter. Criteria: Invitae Variant Classification Sherloc (09022015). Collection method: clinical testing. Allele origin: germline.
Comment: This sequence change creates a premature translational stop signal (p.Glu995Argfs*2) in the RAD50 gene. It is expected to result in an absent or disrupted protein product. Loss-of-function variants in RAD50 are known to be pathogenic (PMID: 19409520). This variant is present in population databases (rs587782488, gnomAD 0.04%). This variant has not been reported in the literature in individuals affected with RAD50-related conditions. ClinVar contains an entry for this variant (Variation ID: 128015). Algorithms developed to predict the effect of sequence changes on RNA splicing suggest that this variant may disrupt the consensus splice site. For these reasons, this variant has been classified as Pathogenic.

Baylor Genetics
Classification: Pathogenic for Nijmegen breakage syndrome-like disorder. Last evaluated: 2023-09-20. Review status: criteria provided, single submitter. Criteria: ACMG Guidelines, 2015. Collection method: clinical testing. Allele origin: unknown.

Ambry Genetics
Classification: Pathogenic for Hereditary cancer-predisposing syndrome. Last evaluated: 2022-07-06. Review status: criteria provided, single submitter. Criteria: Ambry Variant Classification Scheme 2023. Collection method: clinical testing. Allele origin: germline.
Comment: The c.2983_2986delGAAA pathogenic mutation, located in coding exon 19 of the RAD50 gene, results from a deletion of 4 nucleotides at nucleotide positions 2983 to 2986, causing a translational frameshift with a predicted alternate stop codon (p.E995Rfs*2). This alteration has been previously identified in a Chinese breast cancer cohort (Li JY et al. Int. J. Cancer. 2019 01;144:281-289). Of note, this alteration is also designated as c.2980_2983del in published literature. In addition to the clinical data presented in the literature, this alteration is expected to result in loss of function by premature protein truncation or nonsense-mediated mRNA decay. As such, this alteration is interpreted as a disease-causing mutation.

Sema4
Classification: Pathogenic for Nijmegen breakage syndrome-like disorder. Last evaluated: 2022-02-24. Review status: criteria provided, single submitter. Criteria: Sema4 Curation Guidelines. Collection method: curation. Allele origin: germline.
Comment: To the best of our knowledge, the RAD50 c.2983_2986delGAAA (p.E995RfsX2) variant has not been reported in individuals with RAD50-related disease. This variant causes a frameshift at amino acid 995 that results in premature termination 2 amino acids downstream. At this location, this is predicted to cause nonsense-mediated decay and result in an absent protein (loss of function). Loss of function variants in RAD50 are known to be pathogenic (PMID: 19409520, 16385572). This variant was observed in 8/19950 chromosomes in the East Asian population, according to the Genome Aggregation Database (PMID: 32461654), and has been reported in ClinVar (Variation ID: 128015). Based on the current evidence available, this variant is interpreted as pathogenic.

Genesis Genomics
Classification: Pathogenic for Nijmegen breakage syndrome-like disorder. Review status: criteria provided, single submitter. Criteria: ACMG Guidelines, 2015. Collection method: clinical testing. Allele origin: germline. Affected: no. Observed: 1 variant allele.

Juno Genomics, Hangzhou Juno Genomics, Inc
Classification: Likely pathogenic for Nijmegen breakage syndrome-like disorder. Review status: criteria provided, single submitter. Criteria: ACMG Guidelines, 2015. Collection method: clinical testing. Allele origin: germline.
Comment: Absent from controls (or at extremely low frequency if recessive) in Genome Aggregation Database.;Null variant in a gene where loss of function (LOF) is a known mechanism of disease.

Medical Genetics Laboratory, Umraniye Training and Research Hospital, University of Health Sciences
Classification: Pathogenic for Neoplasm of the skin. Last evaluated: 2021-08-09. Review status: no assertion criteria provided. Collection method: clinical testing. Allele origin: germline. Affected: yes. Observed: 1 variant allele, 1 heterozygote. Not counted in ClinVar's aggregate classification.

Ambry Genetics
Classification: Pathogenic for Neoplastic Syndromes, Hereditary. Last evaluated: 2013-07-01. Review status: flagged submission. Criteria: Ambry Autosomal Dominant and X-Linked criteria (9/4/14). Collection method: clinical testing. Allele origin: germline. Not counted in ClinVar's aggregate classification.
ClinVar note: Reason: This record appears to be redundant with a more recent record from the same submitter.
ClinVar note: Notes: SCV000186628 appears to be redundant with SCV000216431.

Literature cited by the submitters: PubMed 19409520 (cited by Labcorp Genetics (formerly Invitae), Labcorp and Sema4); PubMed 29752822 (cited by Ambry Genetics); PubMed 16385572 (cited by Sema4).